The following is an entry in ClinVar:

ClinVar aggregate classification (germline): Uncertain significance (1 of 4 stars; one submission).

Conditions:
Genitopatellar syndrome (GTPTS). Also called: ABSENT PATELLAE, SCROTAL HYPOPLASIA, RENAL ANOMALIES, FACIAL DYSMORPHISM, AND MENTAL RETARDATION; Genitopatellar syndrome (GPS). Identifiers: Orphanet 85201, MedGen C1853566, MONDO:0011640, OMIM 606170.

Submission:

Labcorp Genetics (formerly Invitae), Labcorp
Classification: Uncertain significance for Genitopatellar syndrome. Last evaluated: 2025-04-18. Review status: criteria provided, single submitter. Criteria: Invitae Variant Classification Sherloc (09022015). Collection method: clinical testing. Allele origin: germline.
Comment: This sequence change replaces methionine, which is neutral and non-polar, with leucine, which is neutral and non-polar, at codon 1900 of the KAT6B protein (p.Met1900Leu). This variant is present in population databases (rs779320993, gnomAD 0.01%). This variant has not been reported in the literature in individuals affected with KAT6B-related conditions. An algorithm developed to predict the effect of missense changes on protein structure and function (PolyPhen-2) suggests that this variant is likely to be disruptive. In summary, the available evidence is currently insufficient to determine the role of this variant in disease. Therefore, it has been classified as a Variant of Uncertain Significance.

NM_012330.4(KAT6B):c.5698A>T (p.Met1900Leu)

Gene: KAT6B (lysine acetyltransferase 6B; plus strand). Cytogenetic location: 10q22.2.
Variant type: single nucleotide variant.
Coding change: c.5698A>T on transcript NM_012330.4 (MANE Select); coding-DNA position 5698, A replaced by T.
Protein change: p.Met1900Leu; replaces methionine 1900 with leucine.
Molecular consequence: missense variant.
Genome position (GRCh38, 1-based): chr10:75,030,522, A>T. VCF-style: chr10-75030522-A-T. GRCh37 (hg19) VCF-style: chr10-76790280-A-T.
Other names: c.5149A>T, p.Met1717Leu (NM_001256468.2, NM_001370138.1); c.4822A>T, p.Met1608Leu (NM_001256469.2, NM_001370139.1, NM_001370140.1 and 2 more transcripts); c.4660A>T, p.Met1554Leu (NM_001370132.1); c.4009A>T, p.Met1337Leu (NM_001370133.1); c.3613A>T, p.Met1205Leu (NM_001370134.1); c.3355A>T, p.Met1119Leu (NM_001370135.1); c.5698A>T, p.Met1900Leu (NM_001370136.1, NM_001370137.1); c.4633A>T, p.Met1545Leu (NM_001370143.1, NM_001370144.1); short protein forms M1119L, M1205L, M1337L, M1545L, M1554L, M1608L, M1717L, M1900L.
Identifiers: ClinVar variation 4798369 (VCV004798369.1).